The following is an entry in ClinVar:

NM_000903.3(NQO1):c.280G>T (p.Ala94Ser)

Gene: NQO1 (NAD(P)H quinone dehydrogenase 1; minus strand). Cytogenetic location: 16q22.1.
Variant type: single nucleotide variant.
Coding change: c.280G>T on transcript NM_000903.3 (MANE Select); coding-DNA position 280, G replaced by T.
Protein change: p.Ala94Ser; replaces alanine 94 with serine.
Molecular consequence: missense variant.
Genome position (GRCh38, 1-based): chr16:69,718,146, C>A on the plus strand (G>T on the coding strand, the complement: NQO1 is on the minus strand). VCF-style: chr16-69718146-C-A. GRCh37 (hg19) VCF-style: chr16-69752049-C-A.
Other names: c.280G>T, p.Ala94Ser (NM_001025433.2, NM_001025434.2, NM_001286137.2); short protein forms A94S.
Identifiers: ClinVar variation 2450460 (VCV002450460.2), dbSNP rs1024872551, ClinGen allele CA396489812.

ClinVar aggregate classification (germline): Uncertain significance (1 of 4 stars; one submission).

Submission:

Ambry Genetics
Classification: Uncertain significance. Last evaluated: 2023-03-14. Review status: criteria provided, single submitter. Criteria: Ambry Variant Classification Scheme 2023. Collection method: clinical testing. Allele origin: germline.
Comment: The p.A94S variant (also known as c.280G>T), located in coding exon 3 of the NQO1 gene, results from a G to T substitution at nucleotide position 280. The alanine at codon 94 is replaced by serine, an amino acid with similar properties. This amino acid position is conserved. In addition, this alteration is predicted to be tolerated by in silico analysis. Since supporting evidence is limited at this time, the clinical significance of this alteration remains unclear.